The following is an entry in ClinVar:

ClinVar aggregate classification (germline): Conflicting classifications of pathogenicity. Review status: criteria provided, conflicting classifications (1 of 4 stars). 4 submissions from 4 submitters: Uncertain significance (3); Likely benign (1). Last evaluated 2024-05-01.

Conditions:
Hereditary cancer-predisposing syndrome. Also called: Neoplastic Syndromes, Hereditary; Tumor predisposition; Hereditary Cancer Syndrome; Hereditary neoplastic syndrome. Identifiers: Orphanet 140162, MedGen C0027672, MeSH D009386, MONDO:0015356.
Hereditary breast ovarian cancer syndrome. Also called: Hereditary breast and ovarian cancer syndrome; Hereditary breast and ovarian cancer; Breast and ovarian cancer; Hereditary breast and/or ovarian cancer syndrome; Hereditary breast and ovarian cancer syndrome (HBOC); BRCA1- and BRCA2-Associated Hereditary Breast and Ovarian Cancer. Identifiers: Orphanet 145, MedGen C0677776, MeSH D061325, MONDO:0003582. Disease mechanism: loss of function.

Submissions (4):

Labcorp Genetics (formerly Invitae), Labcorp
Classification: Uncertain significance for Hereditary breast ovarian cancer syndrome. Last evaluated: 2024-05-01. Review status: criteria provided, single submitter. Criteria: Invitae Variant Classification Sherloc (09022015). Collection method: clinical testing. Allele origin: germline.
Comment: This sequence change replaces cysteine, which is neutral and slightly polar, with arginine, which is basic and polar, at codon 1365 of the BRCA2 protein (p.Cys1365Arg). This variant is not present in population databases (gnomAD no frequency). This variant has not been reported in the literature in individuals affected with BRCA2-related conditions. ClinVar contains an entry for this variant (Variation ID: 1343618). Advanced modeling of protein sequence and biophysical properties (such as structural, functional, and spatial information, amino acid conservation, physicochemical variation, residue mobility, and thermodynamic stability) performed at Invitae indicates that this missense variant is not expected to disrupt BRCA2 protein function with a negative predictive value of 95%. In summary, the available evidence is currently insufficient to determine the role of this variant in disease. Therefore, it has been classified as a Variant of Uncertain Significance.

Ambry Genetics
Classification: Uncertain significance for Hereditary cancer-predisposing syndrome. Last evaluated: 2023-09-14. Review status: criteria provided, single submitter. Criteria: Ambry Variant Classification Scheme 2023. Collection method: clinical testing. Allele origin: germline.
Comment: The p.C1365R variant (also known as c.4093T>C), located in coding exon 10 of the BRCA2 gene, results from a T to C substitution at nucleotide position 4093. The cysteine at codon 1365 is replaced by arginine, an amino acid with highly dissimilar properties. This amino acid position is conserved. In addition, this alteration is predicted to be tolerated by in silico analysis. Since supporting evidence is limited at this time, the clinical significance of this alteration remains unclear.

University of Washington Department of Laboratory Medicine, University of Washington
Classification: Likely benign for Hereditary cancer-predisposing syndrome. Last evaluated: 2023-03-23. Review status: criteria provided, single submitter. Criteria: Dines et al. (Genet Med. 2020). Collection method: curation. Allele origin: germline.
Comment: Missense variant in a coldspot region where missense variants are very unlikely to be pathogenic (PMID:31911673).

BRCA2 exon 11 coldspot. Reclassification based on statistical prior probability.

Women's Health and Genetics/Laboratory Corporation of America, LabCorp
Classification: Uncertain significance. Last evaluated: 2022-02-04. Review status: criteria provided, single submitter. Criteria: LabCorp Variant Classification Summary - May 2015. Collection method: clinical testing. Allele origin: germline.

NM_000059.4(BRCA2):c.4093T>C (p.Cys1365Arg)

Gene: BRCA2 (BRCA2 DNA repair associated; plus strand). Cytogenetic location: 13q13.1.
Variant type: single nucleotide variant.
Coding change: c.4093T>C on transcript NM_000059.4 (MANE Select); coding-DNA position 4093, T replaced by C.
Protein change: p.Cys1365Arg; replaces cysteine 1365 with arginine.
Molecular consequence: missense variant.
Genome position (GRCh38, 1-based): chr13:32,338,448, T>C. VCF-style: chr13-32338448-T-C. GRCh37 (hg19) VCF-style: chr13-32912585-T-C.
Other names: short protein forms C1365R.
Identifiers: ClinVar variation 1343618 (VCV001343618.9), dbSNP rs2137502841, ClinGen allele CA387779229.